The following continues an entry in ClinVar:

NM_002878.4(RAD51D):c.620C>T (p.Ser207Leu)

ClinVar aggregate classification (germline): Pathogenic/Likely pathogenic. Pathogenic (10); Likely pathogenic (16).

Submissions 8 to 17 of 30:

Center for Genomic Medicine, Rigshospitalet, Copenhagen University Hospital
Classification: Pathogenic. Last evaluated: 2025-03-04. Review status: criteria provided, single submitter. Criteria: ACMG Guidelines, 2015. Collection method: clinical testing. Allele origin: germline.

Ambry Genetics
Classification: Likely pathogenic for Hereditary cancer-predisposing syndrome. Last evaluated: 2024-12-17. Review status: criteria provided, single submitter. Criteria: Ambry Variant Classification Scheme 2023. Collection method: clinical testing. Allele origin: germline.
Comment: The p.S207L variant (also known as c.620C>T), located in coding exon 7 of the RAD51D gene, results from a C to T substitution at nucleotide position 620. The serine at codon 207 is replaced by leucine, an amino acid with dissimilar properties. This alteration has previously been reported in individuals with cancers including serous peritoneal, breast, ovarian, and urothelial carcinoma (Loveday C et al. Nat Genet. 2011 Aug 7;43(9):879-882; Wickramanayake A et al. Gynecol. Oncol. 2012 Dec;127:552-5; Tung N et al. J. Clin. Oncol. 2016 May;34:1460-8; Golmard L et al. BMC Cancer. 2013 Oct;13:484; Shirt BH et al. Genet Med. 2016 Oct;18(10):974-81; Nassar AH et al. Genet Med, 2020 Apr;22:709-718; Dorling et al. N Engl J Med. 2021 02;384:428-439; Fu F et al. Cancer Biol Med, 2021 Oct; Alenezi WM et al. Cancers (Basel), 2022 Apr;14; Akbar F et al. Hered Cancer Clin Pract, 2022 Jun;20:24). In a study by Rivera et al., this alteration showed segregation with disease in two families with ovarian high grade serous carcinoma (HGSC) and in two other families with breast cancer. A case control analysis found strong association with ovarian HGSC (P=2x10-6), but no significant association with breast cancer. This same group conducted numerous functional studies and found impaired homologous recombination, XRCC2 binding, and RAD51 foci formation (Rivera B et al. Cancer Res. 2017 Aug;77:4517-4529). This alteration is located in the highly conserved Walker B motif of the RAD51D protein that is required for ATPase function and XRCC2 binding (Rivera B et al. Cancer Res. 2017 Aug;77:4517-4529; Wiese C et al. Nucleic Acids Res. 2006 May;34:2833-43). Structural analysis predicts that this alteration would disrupt important hydrogen bonding and introduce steric clashes that would interfere with protein function (Rivera B et al. Cancer Res. 2017 Aug;77:4517-4529). This amino acid position is highly conserved in available vertebrate species. In addition, this alteration is predicted to be deleterious by in silico analysis. Based on the majority of available evidence to date, this variant is likely to be pathogenic.

Institute for Biomarker Research, Medical Diagnostic Laboratories, L.L.C.
Classification: Likely pathogenic for Hereditary cancer-predisposing syndrome. Last evaluated: 2024-11-07. Review status: criteria provided, single submitter. Criteria: ACMG Guidelines, 2015. Collection method: clinical testing. Allele origin: germline.
Comment: The missense variant NM_002878.4(RAD51D):c.620C>T (p.Ser207Leu) causes the same amino acid change as a previously established pathogenic variant. The p.Ser207Leu variant is observed in 1/18,394 (0.0054%) alleles from individuals of gnomAD East Asian background in gnomAD. The p.Ser207Leu variant is novel (not in any individuals) in 1kG. There is a large physicochemical difference between serine and leucine, which is likely to impact secondary protein structure as these residues differ in polarity, charge, size and/or other properties. The p.Ser207Leu missense variant is predicted to be damaging by both SIFT and PolyPhen2. The serine residue at codon 207 of RAD51D is conserved in all mammalian species. The nucleotide c.620 in RAD51D is predicted conserved by GERP++ and PhyloP across 100 vertebrates. For these reasons, this variant has been classified as Likely Pathogenic.

Baylor Genetics
Classification: Pathogenic for Breast-ovarian cancer, familial, susceptibility to, 4. Last evaluated: 2024-03-05. Review status: criteria provided, single submitter. Criteria: ACMG Guidelines, 2015. Collection method: clinical testing. Allele origin: unknown.

Quest Diagnostics Nichols Institute San Juan Capistrano
Classification: Pathogenic. Last evaluated: 2023-09-03. Review status: criteria provided, single submitter. Criteria: Quest Diagnostics criteria. Collection method: clinical testing. Allele origin: unknown.
Comment: The RAD51D c.620C>T (p.Ser207Leu) variant has been reported in the published literature in individuals with breast cancer (PMID: 35710434 (2022), 34606182 (2021), 33471991 (2021), 26976419 (2016), 25186627 (2015), 24139550 (2013)), ovarian cancer (PMID: 35565380 (2022), 31922703 (2019), 26845104 (2016)), and bladder cancer (PMID: 31844177 (2020)). It is also reported to be a prevalent variant in French Canadian women with breast and ovarian cancer (PMID: 28646019 (2017), 34923718 (2022)). Experimental studies indicate that the variant is deleterious to RAD51D protein function (PMID: 28646019 (2017)). The frequency of this variant in the general population, 0.000046 (6/129132 chromosomes (Genome Aggregation Database)), is uninformative in the assessment of its pathogenicity. Analysis of this variant using bioinformatics tools for the prediction of the effect of amino acid changes on protein structure and function yielded predictions that this variant is damaging. Based on the available information, this variant is classified as pathogenic.

ARUP Laboratories, Molecular Genetics and Genomics, ARUP Laboratories
Classification: Likely pathogenic for Breast-ovarian cancer, familial, susceptibility to, 4. Last evaluated: 2023-08-25. Review status: criteria provided, single submitter. Criteria: ARUP Molecular Germline Variant Investigation Process 2024. Collection method: clinical testing. Allele origin: germline.
Comment: The RAD51D c.620C>T; p.Ser207Leu variant (rs370228071) is reported in the literature in several individuals and families affected with breast and/or ovarian cancer (Akbar 2022, Fu 2021, Golmard 2013, Loveday 2011, Rivera 2017, Wickramanayake 2012) and is a founder variant in the French-Canadian population (Boni 2022). This variant is reported in ClinVar (Variation ID: 142102), and is found in the general population with an overall allele frequency of 0.0028% (8/282,800 alleles) in the Genome Aggregation Database. Functional analyses of the variant protein show impaired RAD51D-XRCC2 binding and defects in DNA repair (Rivera 2017). Computational analyses predict that this variant is deleterious (REVEL: 0.819). Based on available information, this variant is considered to be likely pathogenic. References: Akbar F et al. Spectrum of germline pathogenic variants using a targeted next generation sequencing panel and genotype-phenotype correlations in patients with suspected hereditary breast cancer at an academic medical centre in Pakistan. Hered Cancer Clin Pract. 2022 Jun 16;20(1):24. PMID: 35710434. Boni J et al. A decade of RAD51C and RAD51D germline variants in cancer. Hum Mutat. 2022 Mar;43(3):285-298. PMID: 34923718. Fu F et al. Association between 15 known or potential breast cancer susceptibility genes and breast cancer risks in Chinese women. Cancer Biol Med. 2021 Oct 5;19(2):253–62. PMID: 34606182. Golmard L et al. Germline mutation in the RAD51B gene confers predisposition to breast cancer. BMC Cancer. 2013 Oct 19;13:484. PMID: 24139550. Loveday C et al. Germline mutations in RAD51D confer susceptibility to ovarian cancer. Nat Genet. 2011 Aug 7;43(9):879-882. PMID: 21822267. Rivera B et al. Functionally Null RAD51D Missense Mutation Associates Strongly with Ovarian Carcinoma. Cancer Res. 2017 Aug 15;77(16):4517-4529. PMID: 28646019. Wickramanayake A et al. Loss of function germline mutations in RAD51D in women with ovarian carcinoma. Gynecol Oncol. 2012 Dec;127(3):552-5. PMID: 22986143.

KCCC/NGS Laboratory, Kuwait Cancer Control Center
Classification: Likely pathogenic for Breast-ovarian cancer, familial, susceptibility to, 4. Last evaluated: 2023-08-02. Review status: criteria provided, single submitter. Criteria: ACMG Guidelines, 2015. Collection method: clinical testing. Allele origin: unknown. Inheritance: Autosomal dominant inheritance. Affected: yes. Observed: 1 heterozygote.
Comment: This sequence change replaces serine, which is neutral and polar, with leucine, which is neutral and non-polar, at codon 95 of the RAD51D protein (p.Ser95Leu). This variant is present in population databases (rs370228071, gnomAD 0.005%). This missense change has been observed in individual(s) with ovarian, endometrial cancer, peritoneal carcinoma, and breast cancer (PMID: 21822267, 22986143, 25186627, 26845104, 26976419, 28646019). It has also been observed to segregate with disease in related individuals. ClinVar lists this variant (Interpretation: Conflicting interpretations of pathogenicity; Pathogenic (4)|Likely pathogenic(10)|Uncertain significance(3); Variation ID: 142102).. A Published functional studies suggest a damaging effect: impaired homologous recombination activity (Rivera et al., 2017); In silico analysis supports that this missense variant has a deleterious effect on protein structure/function; Experimental studies have shown that this missense change affects RAD51D function (PMID: 16717288, 28646019). For these reasons, this variant has been classified as Likely Pathogenic. Heterozygous germline variant in the RAD51D gene associated with susceptibility to familial breast-ovarian cancer type 4 . Loveday et al., 2011 investigated the role of RAD51D in cancer susceptibility and identified the risk of ovarian cancer for RAD51D variant carriers was estimated to be 6.30 (95% CI 2.86-13.85, P = 4.8 x 10(-6)). By contrast, the authors estimated the relative risk of breast cancer to be 1.32 (95% CI 0.59-2.96, P = 0.50). They also demonstrated that cells deficient in RAD51D are sensitive to treatment with a PARP inhibitor, suggesting a possible therapeutic approach for cancers arising in RAD51D variant carriers. According to the NCCN Guidelines V.3.2023. the absolute risk for breast cancer in individuals with pathogenic RAD51D variant is 20-40%, for epithelial ovarian cancer 10-20%, and uknown risk for other cancer types. Mode of Inheritance: Autosomal dominant (OMIM®: 614291).

Institute of Human Genetics, University of Leipzig Medical Center
Classification: Likely pathogenic for Breast-ovarian cancer, familial, susceptibility to, 4. Last evaluated: 2023-07-17. Review status: criteria provided, single submitter. Criteria: ACMG Guidelines, 2015. Collection method: clinical testing. Allele origin: unknown. Inheritance: Autosomal dominant inheritance. Affected: yes.
Comment: Criteria applied: PS3,PS4_mod,PM5,PM2_SUP

CHEO Genetics Diagnostic Laboratory, Children's Hospital of Eastern Ontario
Classification: Likely pathogenic for Breast and/or ovarian cancer. Last evaluated: 2023-05-31. Review status: criteria provided, single submitter. Criteria: ACMG Guidelines, 2015. Collection method: clinical testing. Allele origin: germline.

CeGaT Center for Human Genetics Tuebingen
Classification: Likely pathogenic. Last evaluated: 2023-05-01. Review status: criteria provided, single submitter. Criteria: CeGaT Center For Human Genetics Tuebingen Variant Classification Criteria Version 2. Collection method: clinical testing. Allele origin: germline. Affected: yes. Observed: 2 variant alleles.
Comment: RAD51D: PS4, PS3:Moderate, PP3